The following is an entry in ClinVar:

NM_004329.3(BMPR1A):c.1044A>G (p.Glu348=)

Gene: BMPR1A (bone morphogenetic protein receptor type 1A; plus strand). Cytogenetic location: 10q23.2.
Variant type: single nucleotide variant.
Coding change: c.1044A>G on transcript NM_004329.3 (MANE Select); coding-DNA position 1044, A replaced by G.
Protein change: p.Glu348=; no amino-acid change (glutamic acid 348 retained).
Molecular consequence: synonymous variant.
Genome position (GRCh38, 1-based): chr10:86,919,347, A>G. VCF-style: chr10-86919347-A-G. GRCh37 (hg19) VCF-style: chr10-88679104-A-G.
Identifiers: ClinVar variation 220618 (VCV000220618.15), dbSNP rs781082609, ClinGen allele CA349642.
Genomic context (GRCh38, chr10:86,919,347, plus strand): 5'-CAGAGCCCTGCTTAAATTGGCTTATTCAGCTGCCTGTGGTCTGTGCCACCTGCACACAGA[A>G]ATTTATGGCACCCAAGGAAAGCCCGCAATTGCTCATCGAGACCTAAAGAGCAAAAACATC-3'
Protein context (NP_004320.2, residues 338-358): AACGLCHLHT[Glu348=]IYGTQGKPAI

ClinVar aggregate classification (germline): Benign/Likely benign. Review status: criteria provided, multiple submitters, no conflicts (2 of 4 stars). 4 submissions from 4 submitters: Benign (1); Likely benign (3). Last evaluated 2025-11-05.

Conditions:
Hereditary cancer-predisposing syndrome. Also called: Tumor predisposition; Neoplastic Syndromes, Hereditary; Hereditary Cancer Syndrome; Hereditary neoplastic syndrome. Identifiers: Orphanet 140162, MedGen C0027672, MeSH D009386, MONDO:0015356.
Juvenile polyposis syndrome (JPS). Identifiers: Orphanet 2929, MedGen C0345893, MONDO:0017380, OMIM 174900.

Allele frequency attached by ClinVar (database versions not stated): TOPMed below 0.00001.
gnomAD v4.1: 6 of 1,613,426 alleles (0.00037%); highest among the groups gnomAD compares: Non-Finnish European, 0.00051%; no homozygotes.

Submissions (4):

Labcorp Genetics (formerly Invitae), Labcorp
Classification: Likely benign for Juvenile polyposis syndrome. Last evaluated: 2025-11-05. Review status: criteria provided, single submitter. Criteria: Invitae Variant Classification Sherloc (09022015). Collection method: clinical testing. Allele origin: germline.

Myriad Genetics, Inc.
Classification: Benign for Juvenile polyposis syndrome. Last evaluated: 2024-08-06. Review status: criteria provided, single submitter. Criteria: Myriad Autosomal Dominant, Autosomal Recessive and X-Linked Classification Criteria (2023). Collection method: clinical testing. Allele origin: unknown.
Comment: This variant is considered benign. This variant is a silent/synonymous amino acid change and it is not expected to impact splicing.

Ambry Genetics
Classification: Likely benign for Hereditary cancer-predisposing syndrome. Last evaluated: 2020-09-28. Review status: criteria provided, single submitter. Criteria: Ambry Variant Classification Scheme 2023. Collection method: clinical testing. Allele origin: germline.

Blueprint Genetics
Classification: Likely benign. Last evaluated: 2020-06-24. Review status: criteria provided, single submitter. Criteria: ACMG Guidelines, 2015. Collection method: clinical testing. Allele origin: germline.